The following is an entry in ClinVar:

ClinVar aggregate classification (germline): Pathogenic (1 of 4 stars; one submission).

Submission:

Quest Diagnostics Nichols Institute San Juan Capistrano
Classification: Pathogenic. Last evaluated: 2021-07-08. Review status: criteria provided, single submitter. Criteria: ACMG/ClinGen CNV Guidelines, 2019. Collection method: clinical testing. Allele origin: unknown.
Comment: The 11p15 imprinted region harbors two imprinting centers: IC1 and IC2. IC1 (distal) regulates the expression of IGF2 (paternally expressed) and H19 (maternally expressed), while IC2 (proximal) regulates the expression of maternally expressed CDKN1C, KCNQ10T1, and KCNQ1. Depending on the parental origin, dysregulations of these imprinted centers and corresponding gene expressions can cause two imprinting disorders: Beckwith-Wiedemann syndrome (BWS, OMIM 130650) and Russell-Silver syndrome (RSS, OMIM 180860). Russell-Silver syndrome (RSS) is characterized by intrauterine growth retardation accompanied by postnatal growth deficiency (GeneReviews [Internet].Available from an online resource). Beckwith-Wiedemann syndrome (BWS), is a growth disorder variably characterized by neonatal hypoglycemia, macrosomia, macroglossia, hemihyperplasia, omphalocele, embryonal tumors (e.g., Wilms tumor, hepatoblastoma, neuroblastoma, and rhabdomyosarcoma), visceromegaly, adrenocortical cytomegaly, renal abnormalities, and ear creases/pits (GeneReviews [Internet].Available from an online resource). The current copy number loss at 11p15.5 overlaps the imprinting center 1 (IC1) only. Maternally derived deletions and paternally derived deletions of IC1 have been reported in both Beckwith-Wiedemann syndrome and Russel-Silver syndrome, respectively (Hum Genet. 2014 Mar;133(3):321-30. PMID: 24154661; Hum Mutat. 2017 Jan;38(1):105-111. PMID: 27701793).

GRCh37/hg19 11p15.5(chr11:1980946-2054887)x1

Gene: H19 (H19 imprinted maternally expressed transcript; minus strand). Cytogenetic location: 11p15.5.
Variant type: copy number loss.
Change: copy number 1 (one copy instead of two) of chr11:1,980,946-2,054,887 (73.9 kb, GRCh37 coordinates, 1-based), cytogenetic band 11p15.5.
Identifiers: ClinVar variation 1807713 (VCV001807713.1).